The following is an entry in ClinVar:

NM_001486.4(GCKR):c.661G>C (p.Asp221His)

Gene: GCKR (glucokinase regulator; plus strand). Cytogenetic location: 2p23.3.
Variant type: single nucleotide variant.
Coding change: c.661G>C on transcript NM_001486.4 (MANE Select); coding-DNA position 661, G replaced by C.
Protein change: p.Asp221His; replaces aspartic acid 221 with histidine.
Molecular consequence: missense variant.
Genome position (GRCh38, 1-based): chr2:27,503,530, G>C. VCF-style: chr2-27503530-G-C. GRCh37 (hg19) VCF-style: chr2-27726397-G-C.
Other names: short protein forms D221H.
Identifiers: ClinVar variation 4762116 (VCV004762116.1).

ClinVar aggregate classification (germline): Uncertain significance (1 of 4 stars; one submission).

Submission:

Labcorp Genetics (formerly Invitae), Labcorp
Classification: Uncertain significance. Last evaluated: 2025-07-06. Review status: criteria provided, single submitter. Criteria: Invitae Variant Classification Sherloc (09022015). Collection method: clinical testing. Allele origin: germline.
Comment: This sequence change replaces aspartic acid, which is acidic and polar, with histidine, which is basic and polar, at codon 221 of the GCKR protein (p.Asp221His). This variant is not present in population databases (gnomAD no frequency). This variant has not been reported in the literature in individuals affected with GCKR-related conditions. Invitae Evidence Modeling of protein sequence and biophysical properties (such as structural, functional, and spatial information, amino acid conservation, physicochemical variation, residue mobility, and thermodynamic stability) indicates that this missense variant is not expected to disrupt GCKR protein function with a negative predictive value of 80%. Algorithms developed to predict the effect of sequence changes on RNA splicing suggest that this variant may disrupt the consensus splice site. In summary, the available evidence is currently insufficient to determine the role of this variant in disease. Therefore, it has been classified as a Variant of Uncertain Significance.